The following is an entry in ClinVar:

NM_001170629.2(CHD8):c.4073T>C (p.Val1358Ala)

Gene: CHD8 (chromodomain helicase DNA binding protein 8; minus strand). Cytogenetic location: 14q11.2.
Variant type: single nucleotide variant.
Coding change: c.4073T>C on transcript NM_001170629.2 (MANE Select); coding-DNA position 4073, T replaced by C.
Protein change: p.Val1358Ala; replaces valine 1358 with alanine.
Molecular consequence: missense variant.
Genome position (GRCh38, 1-based): chr14:21,401,503, A>G on the plus strand (T>C on the coding strand, the complement: CHD8 is on the minus strand). VCF-style: chr14-21401503-A-G. GRCh37 (hg19) VCF-style: chr14-21869662-A-G.
Other names: c.3236T>C, p.Val1079Ala (NM_020920.4); short protein forms V1079A, V1358A.
Identifiers: ClinVar variation 1313677 (VCV001313677.2), dbSNP rs2139465215, ClinGen allele CA388896662.

ClinVar aggregate classification (germline): Uncertain significance (1 of 4 stars; one submission).

Submission:

GeneDx
Classification: Uncertain significance. Last evaluated: 2020-11-18. Review status: criteria provided, single submitter. Criteria: GeneDx Variant Classification Process June 2021. Collection method: clinical testing. Allele origin: germline. Affected: yes.
Comment: Not observed in large population cohorts (Lek et al., 2016); In silico analysis supports that this missense variant has a deleterious effect on protein structure/function; Has not been previously published as pathogenic or benign to our knowledge